The following is an entry in ClinVar:

ClinVar aggregate classification (germline): Uncertain significance (1 of 4 stars; one submission).

Conditions:
Multiple gastrointestinal atresias. Also called: Multiple intestinal atresia; FAMILIAL INTESTINAL POLYATRESIA SYNDROME. Identifiers: Orphanet 2300, MedGen C0220744, MONDO:0009465.

Submission:

Labcorp Genetics (formerly Invitae), Labcorp
Classification: Uncertain significance for Multiple gastrointestinal atresias. Last evaluated: 2021-03-21. Review status: criteria provided, single submitter. Criteria: Invitae Variant Classification Sherloc (09022015). Collection method: clinical testing. Allele origin: germline.
Comment: This variant has not been reported in the literature in individuals with TTC7A-related conditions. This variant is not present in population databases (ExAC no frequency). This sequence change replaces leucine with proline at codon 518 of the TTC7A protein (p.Leu518Pro). The leucine residue is moderately conserved and there is a moderate physicochemical difference between leucine and proline. In summary, the available evidence is currently insufficient to determine the role of this variant in disease. Therefore, it has been classified as a Variant of Uncertain Significance. Algorithms developed to predict the effect of missense changes on protein structure and function are either unavailable or do not agree on the potential impact of this missense change (SIFT: "Deleterious"; PolyPhen-2: "Benign"; Align-GVGD: "Class C0").

NM_020458.4(TTC7A):c.1553T>C (p.Leu518Pro)

Gene: TTC7A (tetratricopeptide repeat domain 7A; plus strand). Cytogenetic location: 2p21.
Variant type: single nucleotide variant.
Coding change: c.1553T>C on transcript NM_020458.4 (MANE Select); coding-DNA position 1553, T replaced by C.
Protein change: p.Leu518Pro; replaces leucine 518 with proline.
Molecular consequence: missense variant.
Genome position (GRCh38, 1-based): chr2:47,023,450, T>C. VCF-style: chr2-47023450-T-C. GRCh37 (hg19) VCF-style: chr2-47250589-T-C.
Other names: c.1553T>C, p.Leu518Pro (NM_001288951.2); c.1451T>C, p.Leu484Pro (NM_001288953.2); c.491T>C, p.Leu164Pro (NM_001288955.2); short protein forms L484P, L518P, L164P.
Identifiers: ClinVar variation 1462323 (VCV001462323.8), dbSNP rs1679515226, ClinGen allele CA346716267.